The following is an entry in ClinVar:

NM_001379451.1(BCORL1):c.86+4del

Gene: BCORL1 (BCL6 corepressor like 1; plus strand). Cytogenetic location: Xq26.1.
Variant type: Deletion.
Coding change: c.86+4del on transcript NM_001379451.1 (MANE Select); 4 bases into the intron after coding-DNA position 86, one base deleted (A; older notation c.86+4delA).
Molecular consequence: intron variant.
Genome position (GRCh38, 1-based): chrX:130,005,321, A deleted. VCF-style (leftmost placement, unchanged base first): chrX-130005320-GA-G. GRCh37 (hg19) VCF-style: chrX-129139296-GA-G.
Other names: c.86+4del (NM_001184772.3, NM_001379450.1, NM_021946.5).
Identifiers: ClinVar variation 3776573 (VCV003776573.1).

ClinVar aggregate classification (germline): Uncertain significance (1 of 4 stars; one submission).

Submission:

GeneDx
Classification: Uncertain significance. Last evaluated: 2024-10-03. Review status: criteria provided, single submitter. Criteria: GeneDx Variant Classification Process June 2021. Collection method: clinical testing. Allele origin: germline. Affected: yes.
Comment: Not observed at significant frequency in large population cohorts (gnomAD); Has not been previously published as pathogenic or benign to our knowledge; In silico analysis is inconclusive as to whether the variant alters gene splicing. In the absence of RNA/functional studies, the actual effect of this sequence change is unknown.